The following is an entry in ClinVar:

NM_020461.4(TUBGCP6):c.3739G>A (p.Asp1247Asn)

Gene: TUBGCP6 (tubulin gamma complex component 6; minus strand). Cytogenetic location: 22q13.33.
Variant type: single nucleotide variant.
Coding change: c.3739G>A on transcript NM_020461.4 (MANE Select); coding-DNA position 3739, G replaced by A.
Protein change: p.Asp1247Asn; replaces aspartic acid 1247 with asparagine.
Molecular consequence: missense variant.
Genome position (GRCh38, 1-based): chr22:50,220,620, C>T on the plus strand (G>A on the coding strand, the complement: TUBGCP6 is on the minus strand). VCF-style: chr22-50220620-C-T. GRCh37 (hg19) VCF-style: chr22-50659049-C-T.
Other names: short protein forms D1247N.
Identifiers: ClinVar variation 1418355 (VCV001418355.3), dbSNP rs775764563, ClinGen allele CA325511953.

ClinVar aggregate classification (germline): Uncertain significance (1 of 4 stars; one submission).

Allele frequency attached by ClinVar (database versions not stated): gnomAD 0.00001; gnomAD exomes 0.00001.

Submission:

Labcorp Genetics (formerly Invitae), Labcorp
Classification: Uncertain significance. Last evaluated: 2022-09-13. Review status: criteria provided, single submitter. Criteria: Invitae Variant Classification Sherloc (09022015). Collection method: clinical testing. Allele origin: germline.
Comment: This sequence change replaces aspartic acid, which is acidic and polar, with asparagine, which is neutral and polar, at codon 1247 of the TUBGCP6 protein (p.Asp1247Asn). This variant is not present in population databases (gnomAD no frequency). This variant has not been reported in the literature in individuals affected with TUBGCP6-related conditions. ClinVar contains an entry for this variant (Variation ID: 1418355). Algorithms developed to predict the effect of missense changes on protein structure and function (SIFT, PolyPhen-2, Align-GVGD) all suggest that this variant is likely to be tolerated. In summary, the available evidence is currently insufficient to determine the role of this variant in disease. Therefore, it has been classified as a Variant of Uncertain Significance.